The following is an entry in ClinVar:

ClinVar aggregate classification (germline): Likely benign (0 of 4 stars; one submission).

Conditions:
ALG2-related disorder. Also called: ALG2-related condition.

Allele frequency attached by ClinVar (database versions not stated): gnomAD exomes 0.00023; 1000 Genomes Project 30x 0.00062; 1000 Genomes Project 0.00080; ExAC 0.00100.

Submission:

PreventionGenetics, part of Exact Sciences
Classification: Likely benign for ALG2-related condition. Last evaluated: 2023-03-28. Review status: no assertion criteria provided. Collection method: clinical testing. Allele origin: germline.
Comment: This variant is classified as likely benign based on ACMG/AMP sequence variant interpretation guidelines (Richards et al. 2015 PMID: 25741868, with internal and published modifications).

NM_033087.4(ALG2):c.-8C>T

Gene: ALG2 (ALG2 alpha-1,3/1,6-mannosyltransferase; minus strand). Cytogenetic location: 9q22.33.
Variant type: single nucleotide variant.
Coding change: c.-8C>T on transcript NM_033087.4 (MANE Select); 8 bases upstream of the start codon, C replaced by T.
Molecular consequence: 5 prime UTR variant. On other transcripts: non-coding transcript variant (1).
Genome position (GRCh38, 1-based): chr9:99,221,902, G>A on the plus strand (C>T on the coding strand, the complement: ALG2 is on the minus strand). VCF-style: chr9-99221902-G-A. GRCh37 (hg19) VCF-style: chr9-101984184-G-A.
Identifiers: ClinVar variation 3048909 (VCV003048909.2), dbSNP rs372679579, ClinGen allele CA5156525.